The following is an entry in ClinVar:

ClinVar aggregate classification (germline): Uncertain significance. Review status: criteria provided, multiple submitters, no conflicts (2 of 4 stars). 2 submissions from 2 submitters: Uncertain significance (2). Last evaluated 2026-08-19.

Conditions:
Alstrom syndrome (ALMS). Identifiers: Orphanet 64, MedGen C0268425, MONDO:0008763, OMIM 203800.
Cardiovascular phenotype. Identifiers: MedGen CN230736.

Allele frequency attached by ClinVar (database versions not stated): gnomAD exomes 0.00001.
gnomAD v4.1: 3 of 1,614,088 alleles (0.00019%); highest among the groups gnomAD compares: Non-Finnish European, 0.00025%; no homozygotes.

Submissions (2):

Ambry Genetics
Classification: Uncertain significance for Cardiovascular phenotype. Last evaluated: 2026-08-19. Review status: criteria provided, single submitter. Criteria: Ambry Variant Classification Scheme 2023. Collection method: clinical testing. Allele origin: germline.
Comment: The p.S326P variant (also known as c.976T>C), located in coding exon 5 of the ALMS1 gene, results from a T to C substitution at nucleotide position 976. The serine at codon 326 is replaced by proline, an amino acid with similar properties. This amino acid position is not well conserved in available vertebrate species. In addition, this alteration is predicted to be tolerated by in silico analysis. Based on the available evidence, the clinical significance of this variant remains unclear.

Labcorp Genetics (formerly Invitae), Labcorp
Classification: Uncertain significance for Alstrom syndrome. Last evaluated: 2022-10-01. Review status: criteria provided, single submitter. Criteria: Invitae Variant Classification Sherloc (09022015). Collection method: clinical testing. Allele origin: germline.
Comment: This sequence change replaces serine, which is neutral and polar, with proline, which is neutral and non-polar, at codon 326 of the ALMS1 protein (p.Ser326Pro). This variant is present in population databases (no rsID available, gnomAD 0.007%). This variant has not been reported in the literature in individuals affected with ALMS1-related conditions. Experimental studies and prediction algorithms are not available or were not evaluated, and the functional significance of this variant is currently unknown. In summary, the available evidence is currently insufficient to determine the role of this variant in disease. Therefore, it has been classified as a Variant of Uncertain Significance.

NM_001378454.1(ALMS1):c.973T>C (p.Ser325Pro)

Gene: ALMS1 (ALMS1 centrosome and basal body associated protein; plus strand). Cytogenetic location: 2p13.1.
Variant type: single nucleotide variant.
Coding change: c.973T>C on transcript NM_001378454.1 (MANE Select); coding-DNA position 973, T replaced by C.
Protein change: p.Ser325Pro; replaces serine 325 with proline.
Molecular consequence: missense variant.
Genome position (GRCh38, 1-based): chr2:73,424,638, T>C. VCF-style: chr2-73424638-T-C. GRCh37 (hg19) VCF-style: chr2-73651766-T-C.
Other names: c.976T>C, p.Ser326Pro (NM_015120.4); short protein forms S325P, S326P.
Identifiers: ClinVar variation 1911285 (VCV001911285.3), dbSNP rs1431066919, ClinGen allele CA347261097.
Genomic context (GRCh38, chr2:73,424,638, plus strand): 5'-GCTGTTGGGTCTCAGTGCCCTTTTTTACCTTCTGAACAAGGGAATAATGAAGAGACTATT[T>C]CGTCTGTTGATGAACTGAAAATTCCCAAAGACTGTGATCGTTATGATGATCTTTGTTCAT-3'
Protein context (NP_001365383.1, residues 315-335): SEQGNNEETI[Ser325Pro]SVDELKIPKD